The following is an entry in ClinVar:

ClinVar aggregate classification (germline): Uncertain significance (1 of 4 stars; one submission).

Submission:

Athena Diagnostics
Classification: Uncertain significance. Last evaluated: 2023-11-01. Review status: criteria provided, single submitter. Criteria: Athena Diagnostics Criteria. Collection method: clinical testing. Allele origin: unknown.
Comment: Available data are insufficient to determine the clinical significance of the variant at this time. The frequency of this variant in the general population is uninformative in assessment of its pathogenicity. Computational tools disagree on the variant's effect on normal protein function.

NM_020247.5(COQ8A):c.604C>T (p.Arg202Trp)

Gene: COQ8A (coenzyme Q8A; plus strand). Cytogenetic location: 1q42.13.
Variant type: single nucleotide variant.
Coding change: c.604C>T on transcript NM_020247.5 (MANE Select); coding-DNA position 604, C replaced by T.
Protein change: p.Arg202Trp; replaces arginine 202 with tryptophan.
Molecular consequence: missense variant.
Genome position (GRCh38, 1-based): chr1:226,965,686, C>T. VCF-style: chr1-226965686-C-T. GRCh37 (hg19) VCF-style: chr1-227153387-C-T.
Other names: short protein forms R202W.
Identifiers: ClinVar variation 3571895 (VCV003571895.1).